The following is an entry in ClinVar:

ClinVar aggregate classification (germline): Pathogenic (1 of 4 stars; one submission).

Conditions:
Autosomal recessive limb-girdle muscular dystrophy type 2J (LGMDR10). Also called: MUSCULAR DYSTROPHY, LIMB-GIRDLE, AUTOSOMAL RECESSIVE 10; Limb-girdle muscular dystrophy, type 2J. Identifiers: Orphanet 140922, MedGen C1837342, MONDO:0012127, OMIM 608807.
Dilated cardiomyopathy 1G (CMD1G). Identifiers: Orphanet 154, MedGen C1858763, MONDO:0011400, OMIM 604145.

Allele frequency attached by ClinVar (database versions not stated): gnomAD exomes below 0.00001; gnomAD 0.00001; TOPMed 0.00001.
gnomAD v4.1: 2 of 1,612,566 alleles (0.00012%); highest among the groups gnomAD compares: Admixed American, 0.0033%; no homozygotes.

Submission:

Labcorp Genetics (formerly Invitae), Labcorp
Classification: Pathogenic for Dilated cardiomyopathy 1G; Autosomal recessive limb-girdle muscular dystrophy type 2J. Last evaluated: 2025-07-08. Review status: criteria provided, single submitter. Criteria: Invitae Variant Classification Sherloc (09022015). Collection method: clinical testing. Allele origin: germline.
Comment: This sequence change affects a donor splice site in intron 271 of the TTN gene. It is expected to disrupt RNA splicing and likely results in a truncated or disrupted TTN protein. This variant is not present in population databases (gnomAD no frequency). Disruption of this splice site has been observed in individuals with dilated cardiomyopathy (PMID: 29253866; internal data). ClinVar contains an entry for this variant (Variation ID: 2157228). Algorithms developed to predict the effect of sequence changes on RNA splicing suggest that this variant may disrupt the consensus splice site. This variant is located in the A band of TTN (PMID: 25589632). Truncating variants in this region are significantly overrepresented in patients affected with dilated cardiomyopathy (PMID: 25589632). Truncating variants in this region have also been reported in individuals affected with autosomal recessive centronuclear myopathy (PMID: 23975875). For these reasons, this variant has been classified as Pathogenic.

Literature cited by the submitters: PubMed 29253866; PubMed 25589632; PubMed 23975875.

NM_001267550.2(TTN):c.51436+2T>C

Genes: TTN (titin; minus strand), TTN-AS1 (TTN antisense RNA 1; plus strand). Cytogenetic location: 2q31.2.
Variant type: single nucleotide variant.
Coding change: c.51436+2T>C on transcript NM_001267550.2 (MANE Select); the canonical splice donor site of the intron after coding-DNA position 51436, T replaced by C.
Molecular consequence: splice donor variant.
Genome position (GRCh38, 1-based): chr2:178,610,088, A>G on the plus strand (T>C on the coding strand, the complement: TTN is on the minus strand). VCF-style: chr2-178610088-A-G. GRCh37 (hg19) VCF-style: chr2-179474815-A-G.
Other names: c.24241+2T>C (NM_003319.4); c.24817+2T>C (NM_133437.4); c.24616+2T>C (NM_133432.3); c.43732+2T>C (NM_133378.4); c.46513+2T>C (NM_001256850.1).
Identifiers: ClinVar variation 2157228 (VCV002157228.4), dbSNP rs2055953692, ClinGen allele CA349585822.